The following is an entry in ClinVar:

ClinVar aggregate classification (germline): Uncertain significance (1 of 4 stars; one submission).

Submission:

GeneDx
Classification: Uncertain significance. Last evaluated: 2024-02-18. Review status: criteria provided, single submitter. Criteria: GeneDx Variant Classification Process June 2021. Collection method: clinical testing. Allele origin: germline. Affected: yes.
Comment: Not observed at significant frequency in large population cohorts (gnomAD); In silico analysis supports that this missense variant does not alter protein structure/function; Has not been previously published as pathogenic or benign to our knowledge

NM_017849.4(TMEM127):c.195G>C (p.Glu65Asp)

Gene: TMEM127 (transmembrane protein 127; minus strand). Cytogenetic location: 2q11.2.
Variant type: single nucleotide variant.
Coding change: c.195G>C on transcript NM_017849.4 (MANE Select); coding-DNA position 195, G replaced by C.
Protein change: p.Glu65Asp; replaces glutamic acid 65 with aspartic acid.
Molecular consequence: missense variant. On other transcripts: intron variant (1).
Genome position (GRCh38, 1-based): chr2:96,265,187, C>G on the plus strand (G>C on the coding strand, the complement: TMEM127 is on the minus strand). VCF-style: chr2-96265187-C-G. GRCh37 (hg19) VCF-style: chr2-96930925-C-G.
Other names: c.195G>C, p.Glu65Asp (NM_001193304.3); c.-9+682G>C (NM_001407283.1); short protein forms E65D.
Identifiers: ClinVar variation 3369401 (VCV003369401.1).